The following is an entry in ClinVar:

NM_001017420.3(ESCO2):c.862-2A>G

Gene: ESCO2 (establishment of sister chromatid cohesion N-acetyltransferase 2; plus strand). Cytogenetic location: 8p21.1.
Variant type: single nucleotide variant.
Coding change: c.862-2A>G on transcript NM_001017420.3 (MANE Select); the canonical splice acceptor site of the intron before coding-DNA position 862, A replaced by G.
Molecular consequence: splice acceptor variant.
Genome position (GRCh38, 1-based): chr8:27,780,172, A>G. VCF-style: chr8-27780172-A-G. GRCh37 (hg19) VCF-style: chr8-27637689-A-G.
Identifiers: ClinVar variation 1028944 (VCV001028944.1), dbSNP rs1804892169, ClinGen allele CA370821179.
Genomic context (GRCh38, chr8:27,780,172, plus strand): 5'-CATTCACTAGAAAATAGTTAAAAATTACAGATGTTTGGTTTTTTTTTTAAACCTATTTTC[A>G]GGATTCATCAGATGACAGAGTTTCTTCAAAGGAACATAAAGTTGATAAAAATGAGGCTTT-3'

ClinVar aggregate classification (germline): Likely pathogenic (1 of 4 stars; one submission).

Conditions:
Roberts-SC phocomelia syndrome (RBS). Also called: LONG BONE DEFICIENCIES ASSOCIATED WITH CLEFT LIP-PALATE; Hypomelia hypotrichosis facial hemangioma syndrome; Pseudothalidomide syndrome; Appelt-Gerken-Lenz syndrome; ESCO2 Spectrum Disorder. Identifiers: Orphanet 3103, MedGen C0392475, MONDO:0100253, OMIM 268300.

Submission:

Baylor Genetics
Classification: Likely pathogenic for Roberts-SC phocomelia syndrome. Last evaluated: 2020-06-08. Review status: criteria provided, single submitter. Criteria: ACMG Guidelines, 2015. Collection method: clinical testing. Allele origin: unknown. Affected: yes.
Comment: This variant was determined to be likely pathogenic according to ACMG Guidelines, 2015 [PMID:25741868].